The following is an entry in ClinVar:

ClinVar aggregate classification (germline): Pathogenic. Review status: reviewed by expert panel (3 of 4 stars). 7 submissions from 7 submitters: Pathogenic (1). 6 of the submissions do not count toward it. Last evaluated 2016-09-08.

Conditions:
Hereditary cancer-predisposing syndrome. Also called: Tumor predisposition; Neoplastic Syndromes, Hereditary; Hereditary Cancer Syndrome; Hereditary neoplastic syndrome. Identifiers: Orphanet 140162, MedGen C0027672, MeSH D009386, MONDO:0015356.
Breast-ovarian cancer, familial, susceptibility to, 1 (BROVCA1). Also called: OVARIAN CANCER, SUSCEPTIBILITY TO; BRCA1 Hereditary Breast and Ovarian Cancer. Identifiers: Orphanet 145, MedGen C2676676, MONDO:0011450, OMIM 604370. Disease mechanism: loss of function.

Submissions (7):

Evidence-based Network for the Interpretation of Germline Mutant Alleles (ENIGMA)
Classification: Pathogenic for Breast-ovarian cancer, familial, susceptibility to, 1. Last evaluated: 2016-09-08. Review status: reviewed by expert panel. Criteria: ENIGMA BRCA1/2 Classification Criteria (2015). Collection method: curation. Allele origin: germline.
Comment: Variant allele predicted to encode a truncated non-functional protein.

Quest Diagnostics Nichols Institute San Juan Capistrano
Classification: Pathogenic. Last evaluated: 2025-08-26. Review status: criteria provided, single submitter. Criteria: Quest Diagnostics criteria. Collection method: clinical testing. Allele origin: unknown. Not counted in ClinVar's aggregate classification.
Comment: The BRCA1 c.2921T>A (p.Leu974*) variant causes the premature termination of BRCA1 protein synthesis. This variant has been reported in the published literature in individuals and families with breast and/or ovarian cancer (PMID: 29884136 (2018), 28888541 (2017), 21203900 (2011), 19892845 (2010)). This variant has not been reported in large, multi-ethnic general populations (Genome Aggregation Database). Based on the available information, this variant is classified as pathogenic.

Ambry Genetics
Classification: Pathogenic for Hereditary cancer-predisposing syndrome. Last evaluated: 2021-08-02. Review status: criteria provided, single submitter. Criteria: Ambry Variant Classification Scheme 2023. Collection method: clinical testing. Allele origin: germline. Not counted in ClinVar's aggregate classification.
Comment: The p.L974* pathogenic mutation (also known as c.2921T>A), located in coding exon 9 of the BRCA1 gene, results from a T to A substitution at nucleotide position 2921. This changes the amino acid from a leucine to a stop codon within coding exon 9. This mutation has been identified in multiple hereditary breast and/or ovarian cancer families (Tomka M et al. Neoplasma, 2001;48:451-5; J&ouml;nsson G et al. Cancer Res., 2005 Sep;65:7612-21; Konecny M et al. Breast Cancer Res Treat, 2011 Feb;126:119-30; Rebbeck TR et al. Hum Mutat, 2018 05;39:593-620; Pajares B et al. BMC Cancer, 2018 Jun;18:647). In addition to the clinical data presented in the literature, this alteration is expected to result in loss of function by premature protein truncation or nonsense-mediated mRNA decay. As such, this alteration is interpreted as a disease-causing mutation.

Genologica Medica
Classification: Pathogenic for Breast-ovarian cancer, familial, susceptibility to, 1. Last evaluated: 2017-01-01. Review status: criteria provided, single submitter. Criteria: ACMG Guidelines, 2015. Collection method: clinical testing. Allele origin: germline. Affected: yes. Not counted in ClinVar's aggregate classification.

Consortium of Investigators of Modifiers of BRCA1/2 (CIMBA), c/o University of Cambridge
Classification: Pathogenic for Breast-ovarian cancer, familial, susceptibility to, 1. Last evaluated: 2015-10-02. Review status: criteria provided, single submitter. Criteria: CIMBA Mutation Classification guidelines May 2016. Collection method: clinical testing. Allele origin: germline. Not counted in ClinVar's aggregate classification.

BRCAlab, Lund University
Classification: Pathogenic for Breast-ovarian cancer, familial, susceptibility to, 1. Last evaluated: 2020-03-02. Review status: no assertion criteria provided. Collection method: clinical testing. Allele origin: germline. Affected: yes. Not counted in ClinVar's aggregate classification.

Breast Cancer Information Core (BIC) (BRCA1)
Classification: Pathogenic for Breast-ovarian cancer, familial 1. Review status: no assertion criteria provided. Collection method: clinical testing. Allele origin: germline. Affected: yes. Observed: 1 variant allele. Not counted in ClinVar's aggregate classification.

Literature cited by the submitters: PubMed 29884136 (cited by Quest Diagnostics Nichols Institute San Juan Capistrano and Ambry Genetics); PubMed 28888541 (cited by Quest Diagnostics Nichols Institute San Juan Capistrano); PubMed 21203900 (cited by Quest Diagnostics Nichols Institute San Juan Capistrano and Ambry Genetics); PubMed 19892845 (cited by Quest Diagnostics Nichols Institute San Juan Capistrano); PubMed 26295337 (cited by Quest Diagnostics Nichols Institute San Juan Capistrano); PubMed 11949836 (cited by Ambry Genetics); PubMed 16140926 (cited by Ambry Genetics); PubMed 29446198 (cited by Ambry Genetics).

NM_007294.4(BRCA1):c.2921T>A (p.Leu974Ter)

Gene: BRCA1 (BRCA1 DNA repair associated; minus strand). Cytogenetic location: 17q21.31.
Variant type: single nucleotide variant.
Coding change: c.2921T>A on transcript NM_007294.4 (MANE Select); coding-DNA position 2921, T replaced by A.
Protein change: p.Leu974Ter; replaces leucine 974 with a stop codon.
Molecular consequence: nonsense. On other transcripts: intron variant (137).
Genome position (GRCh38, 1-based): chr17:43,092,610, A>T on the plus strand (T>A on the coding strand, the complement: BRCA1 is on the minus strand). VCF-style: chr17-43092610-A-T. GRCh37 (hg19) VCF-style: chr17-41244627-A-T.
Other names: c.578-1578T>A (NM_001408485.1, NM_001408483.1, NM_001408481.1 and 9 more transcripts); c.662-1578T>A (NM_001408447.1, NM_001408433.1, NM_001408446.1 and 6 more transcripts); c.785-1578T>A (NM_001408400.1, NM_001408392.1, NM_001407986.1 and 13 more transcripts); c.665-1578T>A (NM_001408441.1, NM_001408437.1, NM_001408429.1 and 12 more transcripts); c.788-1578T>A (NM_001407979.1, NM_001407977.1, NM_001407982.1 and 17 more transcripts); c.647-1578T>A (NM_001408410.1, NM_001408458.1, NM_001408469.1 and 11 more transcripts); c.710-1578T>A (NM_001408415.1, NM_001408412.1, NM_001408409.1 and 2 more transcripts); c.2708T>A, p.Leu903Ter (NM_001407571.1, NM_001407853.1, NM_001407894.1 and 9 more transcripts); and 41 more; short protein forms L974*, L927*, L678*, L903*, L971*, L886*, L932*, L973*.
Identifiers: ClinVar variation 54719 (VCV000054719.11), dbSNP rs80356872, ClinGen allele CA001908.